The following is an entry in ClinVar:

ClinVar aggregate classification (germline): Benign/Likely benign. Review status: criteria provided, multiple submitters, no conflicts (2 of 4 stars). 17 submissions from 15 submitters: Benign (12); Likely benign (1). 4 of the submissions do not count toward it. Last evaluated 2026-02-04.

Conditions:
RYR1-related disorder. Also called: RYR1-related condition; RYR1-related disorders. Identifiers: MedGen CN239331.
Congenital multicore myopathy with external ophthalmoplegia (CMYO1B). Also called: MULTIMINICORE DISEASE WITH EXTERNAL OPHTHALMOPLEGIA; MULTICORE MYOPATHY; Minicore myopathy with external ophthalmoplegia; Congenital myopathy 1B, autosomal recessive; Minicore myopathy. Identifiers: Orphanet 598, Orphanet 98905, MedGen C1850674, MONDO:0009712, OMIM 255320, HP:0003789.
Central core myopathy (CMYO1A). Also called: CONGENITAL MYOPATHY 1A, AUTOSOMAL DOMINANT, WITH SUSCEPTIBILITY TO MALIGNANT HYPERTHERMIA; Central core disease; Myopathy, central fibrillar. Identifiers: Orphanet 597, MedGen C5830701, MONDO:0007294, OMIM 117000.
Malignant hyperthermia, susceptibility to, 1 (MHS1). Also called: Malignant hyperthermia suceptibility 1; Anesthesia related hyperthermia; Malignant hyperpyrexia; Fulminating hyperpyrexia; Pharmacogenic myopathy; RYR1-Related Malignant Hyperthermia Susceptibility. Identifiers: Orphanet 423, MedGen C2930980, MONDO:0007783, OMIM 145600.

Allele frequency attached by ClinVar (database versions not stated): 1000 Genomes Project 30x 0.01421; 1000 Genomes Project 0.01478; TOPMed 0.02240; ESP Exome Variant Server 0.02441; gnomAD 0.03001 and 0.03110; gnomAD exomes 0.03073; ExAC 0.04485.
gnomAD v4.1: 50,487 of 1,605,616 alleles (3.1%); highest among the groups gnomAD compares: Non-Finnish European, 3.3%; 1,122 homozygotes.

Submissions (17):

Labcorp Genetics (formerly Invitae), Labcorp
Classification: Benign for RYR1-related disorder. Last evaluated: 2026-02-04. Review status: criteria provided, single submitter. Criteria: Invitae Variant Classification Sherloc (09022015). Collection method: clinical testing. Allele origin: germline.

Blueprint Genetics
Classification: Likely benign. Last evaluated: 2024-11-28. Review status: criteria provided, single submitter. Criteria: ACMG Guidelines, 2015. Collection method: clinical testing. Allele origin: germline.

ARUP Laboratories, Molecular Genetics and Genomics, ARUP Laboratories
Classification: Benign. Last evaluated: 2024-09-15. Review status: criteria provided, single submitter. Criteria: ARUP Molecular Germline Variant Investigation Process 2024. Collection method: clinical testing. Allele origin: germline.

PreventionGenetics, part of Exact Sciences
Classification: Benign. Last evaluated: 2018-03-26. Review status: criteria provided, single submitter. Criteria: ACMG Guidelines, 2015. Collection method: clinical testing. Allele origin: germline.

Illumina Laboratory Services, Illumina
Classification: Benign for Malignant hyperthermia, susceptibility to, 1. Last evaluated: 2018-03-06. Review status: criteria provided, single submitter. Criteria: ICSL Variant Classification Criteria 13 December 2019. Collection method: clinical testing. Allele origin: germline.
Comment: This variant was observed in the ICSL laboratory as part of a predisposition screen in an ostensibly healthy population. It had not been previously curated by ICSL or reported in the Human Gene Mutation Database (HGMD: prior to June 1st, 2018), and was therefore a candidate for classification through an automated scoring system. Utilizing variant allele frequency, disease prevalence and penetrance estimates, and inheritance mode, an automated score was calculated to assess if this variant is too frequent to cause the disease. Based on the score and internal cut-off values, a variant classified as benign is not then subjected to further curation. The score for this variant resulted in a classification of benign for this disease.

Illumina Laboratory Services, Illumina
Classification: Benign for Central core myopathy. Last evaluated: 2018-03-06. Review status: criteria provided, single submitter. Criteria: ICSL Variant Classification Criteria 13 December 2019. Collection method: clinical testing. Allele origin: germline.
Comment: the same text as in the submission from Illumina Laboratory Services, Illumina above.

Illumina Laboratory Services, Illumina
Classification: Benign for Congenital multicore myopathy with external ophthalmoplegia. Last evaluated: 2018-03-06. Review status: criteria provided, single submitter. Criteria: ICSL Variant Classification Criteria 13 December 2019. Collection method: clinical testing. Allele origin: germline.
Comment: the same text as in the submission from Illumina Laboratory Services, Illumina above.

Color Diagnostics, LLC DBA Color Health
Classification: Benign for Malignant hyperthermia, susceptibility to, 1. Last evaluated: 2018-03-05. Review status: criteria provided, single submitter. Criteria: ACMG Guidelines, 2015. Collection method: clinical testing. Allele origin: germline.

Mayo Clinic Laboratories, Mayo Clinic
Classification: Benign. Last evaluated: 2018-01-20. Review status: criteria provided, single submitter. Criteria: ACMG Guidelines, 2015. Collection method: clinical testing. Allele origin: germline. Observed: 42 variant alleles.

GeneDx
Classification: Benign. Last evaluated: 2016-04-21. Review status: criteria provided, single submitter. Criteria: GeneDx Variant Classification (06012015). Collection method: clinical testing. Allele origin: germline. Affected: yes.
Comment: This variant is considered likely benign or benign based on one or more of the following criteria: it is a conservative change, it occurs at a poorly conserved position in the protein, it is predicted to be benign by multiple in silico algorithms, and/or has population frequency not consistent with disease.

Laboratory for Molecular Medicine, Mass General Brigham Personalized Medicine
Classification: Benign. Last evaluated: 2015-01-13. Review status: criteria provided, single submitter. Criteria: LMM Criteria. Collection method: clinical testing. Allele origin: germline. Observed: 1 variant allele.
Comment: c.2871-5C>T in intron 23 of RYR1: This variant is not expected to have clinical significance because it has been identified in 3.3% (284/8590) of European Ameri can chromosomes from a broad population by the NHLBI Exome Sequencing Project (dbSNP rs45585535).

Eurofins Ntd Llc (ga)
Classification: Benign. Last evaluated: 2013-11-12. Review status: criteria provided, single submitter. Criteria: EGL Classification Definitions 2015. Collection method: clinical testing. Allele origin: germline. Observed: 2 variant alleles, 2 heterozygotes.

Genetic Services Laboratory, University of Chicago
Classification: Benign. Last evaluated: 2013-02-08. Review status: criteria provided, single submitter. Criteria: ACMG Guidelines, 2007. Collection method: clinical testing. Allele origin: germline. Inheritance: Autosomal unknown.

Clinical Genetics, Academic Medical Center
Classification: Likely benign. Review status: no assertion criteria provided. Collection method: clinical testing. Allele origin: germline. Affected: yes. Study: VKGL Data-share Consensus. Not counted in ClinVar's aggregate classification.

Genome Diagnostics Laboratory, University Medical Center Utrecht
Classification: Benign. Review status: no assertion criteria provided. Collection method: clinical testing. Allele origin: germline. Affected: yes. Study: VKGL Data-share Consensus. Not counted in ClinVar's aggregate classification.

Joint Genome Diagnostic Labs from Nijmegen and Maastricht, Radboudumc and MUMC+
Classification: Benign. Review status: no assertion criteria provided. Collection method: clinical testing. Allele origin: germline. Affected: yes. Study: VKGL Data-share Consensus. Not counted in ClinVar's aggregate classification.

Laboratory of Diagnostic Genome Analysis, Leiden University Medical Center (LUMC)
Classification: Likely benign. Review status: no assertion criteria provided. Collection method: clinical testing. Allele origin: germline. Affected: yes. Study: VKGL Data-share Consensus. Not counted in ClinVar's aggregate classification.

NM_000540.3(RYR1):c.2871-5C>T

Gene: RYR1 (ryanodine receptor 1; plus strand). Cytogenetic location: 19q13.2.
Variant type: single nucleotide variant.
Coding change: c.2871-5C>T on transcript NM_000540.3 (MANE Select); 5 bases into the intron before coding-DNA position 2871, C replaced by T.
Molecular consequence: intron variant.
Genome position (GRCh38, 1-based): chr19:38,466,086, C>T. VCF-style: chr19-38466086-C-T. GRCh37 (hg19) VCF-style: chr19-38956726-C-T.
Other names: p.?; c.2871-5C>T (NM_001042723.2).
Identifiers: ClinVar variation 93260 (VCV000093260.56), dbSNP rs45585535, ClinGen allele CA024370.